The following is an entry in ClinVar:

NM_006904.7(PRKDC):c.10874T>C (p.Leu3625Pro)

Gene: PRKDC (protein kinase, DNA-activated, catalytic subunit; minus strand). Cytogenetic location: 8q11.21.
Variant type: single nucleotide variant.
Coding change: c.10874T>C on transcript NM_006904.7 (MANE Select); coding-DNA position 10874, T replaced by C.
Protein change: p.Leu3625Pro; replaces leucine 3625 with proline.
Molecular consequence: missense variant.
Genome position (GRCh38, 1-based): chr8:47,788,934, A>G on the plus strand (T>C on the coding strand, the complement: PRKDC is on the minus strand). VCF-style: chr8-47788934-A-G. GRCh37 (hg19) VCF-style: chr8-48701495-A-G.
Other names: c.10874T>C, p.Leu3625Pro (NM_001081640.2); short protein forms L3625P.
Identifiers: ClinVar variation 3627673 (VCV003627673.1).
Genomic context (GRCh38, chr8:47,788,934, plus strand): 5'-CTATCAAAATAGCAGGCTGTGCCAGTCCATACCTGAATAAACTTCCTTCTAAAGGCCCCC[A>G]GGCCTGGAGCCTTTGGGTCACCCAAGGCTGCATACATTCTTTCATACATTTTTTCAATGT-3'
Protein context (NP_008835.5, residues 3615-3635): AALGDPKAPG[Leu3625Pro]GAFRRKFIQT

ClinVar aggregate classification (germline): Uncertain significance (1 of 4 stars; one submission).

Conditions:
Severe combined immunodeficiency due to DNA-PKcs deficiency. Also called: IMMUNODEFICIENCY 26 WITH NEUROLOGIC ABNORMALITIES; Immunodeficiency 26 with or without neurologic abnormalities. Identifiers: Orphanet 317425, MedGen C4014833, MONDO:0014423, OMIM 615966.

gnomAD v4.1: 26 of 1,605,152 alleles (0.0016%); highest among the groups gnomAD compares: Non-Finnish European, 0.0021%; no homozygotes.

Submission:

Labcorp Genetics (formerly Invitae), Labcorp
Classification: Uncertain significance for Severe combined immunodeficiency due to DNA-PKcs deficiency. Last evaluated: 2024-11-29. Review status: criteria provided, single submitter. Criteria: Invitae Variant Classification Sherloc (09022015). Collection method: clinical testing. Allele origin: germline.
Comment: This sequence change replaces leucine, which is neutral and non-polar, with proline, which is neutral and non-polar, at codon 3625 of the PRKDC protein (p.Leu3625Pro). This variant is present in population databases (rs750244294, gnomAD 0.0009%). This variant has not been reported in the literature in individuals affected with PRKDC-related conditions. Invitae Evidence Modeling of protein sequence and biophysical properties (such as structural, functional, and spatial information, amino acid conservation, physicochemical variation, residue mobility, and thermodynamic stability) has been performed for this missense variant. However, the output from this modeling did not meet the statistical confidence thresholds required to predict the impact of this variant on PRKDC protein function. In summary, the available evidence is currently insufficient to determine the role of this variant in disease. Therefore, it has been classified as a Variant of Uncertain Significance.